The following is an entry in ClinVar:

ClinVar aggregate classification (germline): Uncertain significance. Review status: criteria provided, multiple submitters, no conflicts (2 of 4 stars). 2 submissions from 2 submitters: Uncertain significance (2). Last evaluated 2025-09-19.

Submissions (2):

Women's Health and Genetics/Laboratory Corporation of America, LabCorp
Classification: Uncertain significance. Last evaluated: 2025-09-19. Review status: criteria provided, single submitter. Criteria: LabCorp Variant Classification Summary - May 2015. Collection method: clinical testing. Allele origin: germline.
Comment: Variant summary: BBS2 c.2054T>C (p.Leu685Pro) results in a non-conservative amino acid change in the encoded protein sequence. Algorithms developed to predict the effect of missense changes on protein structure and function all suggest that this variant is likely to be disruptive. The variant was absent in 251398 control chromosomes. The available data on variant occurrences in the general population are insufficient to allow any conclusion about variant significance. c.2054T>C has been observed in individual(s) affected with Bardet-Biedl Syndrome (example: Zhong_2023). These report(s) do not provide unequivocal conclusions about association of the variant with Bardet-Biedl Syndrome. To our knowledge, no experimental evidence demonstrating an impact on protein function has been reported. The following publication has been ascertained in the context of this evaluation (PMID: 37031301). No submitters have cited clinical-significance assessments for this variant to ClinVar. Based on the evidence outlined above, the variant was classified as uncertain significance.

Blueprint Genetics
Classification: Uncertain significance. Last evaluated: 2024-04-17. Review status: criteria provided, single submitter. Criteria: ACMG Guidelines, 2015. Collection method: clinical testing. Allele origin: germline.

Literature cited by the submitters: PubMed 37031301 (cited by Women's Health and Genetics/Laboratory Corporation of America, LabCorp).

NM_031885.5(BBS2):c.2054T>C (p.Leu685Pro)

Gene: BBS2 (Bardet-Biedl syndrome 2; minus strand). Cytogenetic location: 16q13.
Variant type: single nucleotide variant.
Coding change: c.2054T>C on transcript NM_031885.5 (MANE Select); coding-DNA position 2054, T replaced by C.
Protein change: p.Leu685Pro; replaces leucine 685 with proline.
Molecular consequence: missense variant. On other transcripts: non-coding transcript variant (5).
Genome position (GRCh38, 1-based): chr16:56,485,595, A>G on the plus strand (T>C on the coding strand, the complement: BBS2 is on the minus strand). VCF-style: chr16-56485595-A-G. GRCh37 (hg19) VCF-style: chr16-56519507-A-G.
Other names: c.2054T>C, p.Leu685Pro (NM_001377456.1); short protein forms L685P.
Identifiers: ClinVar variation 4536115 (VCV004536115.2).